The following is an entry in ClinVar:

ClinVar aggregate classification (germline): Uncertain significance (1 of 4 stars; one submission).

Conditions:
Familial cancer of breast. Also called: Hereditary breast cancer; BREAST CANCER, FAMILIAL; hereditary breast carcinoma. Identifiers: Orphanet 227535, MedGen C0346153, MONDO:0016419, OMIM 114480. Disease mechanism: loss of function.

Allele frequency attached by ClinVar (database versions not stated): gnomAD exomes below 0.00001.
gnomAD v4.1: 1 of 1,613,446 alleles (0.000062%); highest among the groups gnomAD compares: African/African-American, 0.0013%; no homozygotes.

Submission:

Labcorp Genetics (formerly Invitae), Labcorp
Classification: Uncertain significance for Familial cancer of breast. Last evaluated: 2020-07-02. Review status: criteria provided, single submitter. Criteria: Invitae Variant Classification Sherloc (09022015). Collection method: clinical testing. Allele origin: germline.
Comment: Algorithms developed to predict the effect of missense changes on protein structure and function are either unavailable or do not agree on the potential impact of this missense change (SIFT: "Deleterious"; PolyPhen-2: "Probably Damaging"; Align-GVGD: "Class C0"). This variant has not been reported in the literature in individuals with PALB2-related conditions. This variant is not present in population databases (ExAC no frequency). This sequence change replaces glutamic acid with valine at codon 13 of the PALB2 protein (p.Glu13Val). The glutamic acid residue is moderately conserved and there is a moderate physicochemical difference between glutamic acid and valine. Algorithms developed to predict the effect of sequence changes on RNA splicing suggest that this variant may create or strengthen a splice site, but this prediction has not been confirmed by published transcriptional studies. In summary, the available evidence is currently insufficient to determine the role of this variant in disease. Therefore, it has been classified as a Variant of Uncertain Significance.

NM_024675.4(PALB2):c.38A>T (p.Glu13Val)

Gene: PALB2 (partner and localizer of BRCA2; minus strand). Cytogenetic location: 16p12.2.
Variant type: single nucleotide variant.
Coding change: c.38A>T on transcript NM_024675.4 (MANE Select); coding-DNA position 38, A replaced by T.
Protein change: p.Glu13Val; replaces glutamic acid 13 with valine.
Molecular consequence: missense variant.
Genome position (GRCh38, 1-based): chr16:23,641,120, T>A on the plus strand (A>T on the coding strand, the complement: PALB2 is on the minus strand). VCF-style: chr16-23641120-T-A. GRCh37 (hg19) VCF-style: chr16-23652441-T-A.
Other names: short protein forms E13V.
Identifiers: ClinVar variation 1035198 (VCV001035198.9), dbSNP rs876658288, ClinGen allele CA395141051.